The following is an entry in ClinVar:

NM_000789.4(ACE):c.973del (p.Val325fs)

Gene: ACE (angiotensin I converting enzyme; plus strand). Cytogenetic location: 17q23.3.
Variant type: Deletion.
Coding change: c.973del on transcript NM_000789.4 (MANE Select); coding-DNA position 973, one base deleted (G; older notation c.973delG).
Protein change: p.Val325fs; shifts the reading frame from valine 325.
Molecular consequence: frameshift variant. On other transcripts: intron variant (1).
Genome position (GRCh38, 1-based): chr17:63,481,593, G deleted; the last of 3 consecutive G bases (chr17:63,481,591-63,481,593); deleting any one gives the same sequence. VCF-style (leftmost placement, unchanged base first): chr17-63481590-CG-C. GRCh37 (hg19) VCF-style: chr17-61558951-CG-C.
Other names: c.121del, p.Val41fs (NM_001382701.1); c.472+405del (NM_001382700.1); short protein forms V325fs, V41fs.
Identifiers: ClinVar variation 2627964 (VCV002627964.1), dbSNP rs2510687443, ClinGen allele CA2586963989.

ClinVar aggregate classification (germline): Likely pathogenic (1 of 4 stars; one submission).

Conditions:
Renal tubular dysgenesis of genetic origin. Also called: PRIMITIVE RENAL TUBULE SYNDROME. Identifiers: Orphanet 97369, MedGen C5681536, MONDO:0009970, OMIM 267430.

Submission:

Neuberg Centre For Genomic Medicine, NCGM
Classification: Likely pathogenic for Renal tubular dysgenesis of genetic origin. Review status: criteria provided, single submitter. Criteria: ACMG Guidelines, 2015. Collection method: clinical testing. Allele origin: germline. Inheritance: Autosomal recessive inheritance. Affected: yes.
Comment: The frameshift variant c.973del (p.Val325TrpfsTer131) in ACE gene has not been reported previously as a pathogenic variant nor as a benign variant, to our knowledge. The p.Val325TrpfsTer131 variant is novel (not in any individuals) in gnomAD Exomes and 1000 Genomes. Null variant (frame-shift), in gene ACE for which loss-of-function is a known mechanism of disease. This variant causes a frameshift starting with codon Valine 325, changes this amino acid to Tryptophan residue, and creates a premature Stop codon at position 131 of the new reading frame, denoted p.Val325TrpfsTer131. For these reasons, this variant has been classified as Likely Pathogenic.